The following is an entry in ClinVar:

ClinVar aggregate classification (germline): Conflicting classifications of pathogenicity. Review status: criteria provided, conflicting classifications (1 of 4 stars). 6 submissions from 6 submitters: Uncertain significance (4); Likely benign (2). Last evaluated 2025-08-13.

Conditions:
Inborn genetic diseases. Identifiers: MedGen C0950123, MeSH D030342.
KCNQ4-related disorder. Also called: KCNQ4-related condition.
Autosomal dominant nonsyndromic hearing loss 2A. Also called: DFNA2 Nonsyndromic Hearing Loss; Deafness, autosomal dominant 2A; Autosomal dominant nonsyndromic deafness 2A. Identifiers: Orphanet 90635, MedGen C2677637, MONDO:0010817, OMIM 600101.

Allele frequency attached by ClinVar (database versions not stated): gnomAD exomes 0.00006; ESP Exome Variant Server 0.00008; ExAC 0.00013; TOPMed 0.00020; gnomAD 0.00025 and 0.00026; 1000 Genomes Project 30x 0.00031; 1000 Genomes Project 0.00040.
gnomAD v4.1: 66 of 1,607,414 alleles (0.0041%); highest among the groups gnomAD compares: African/African-American, 0.073%; no homozygotes.

Submissions (6):

PreventionGenetics, part of Exact Sciences
Classification: Likely benign for KCNQ4-related condition. Last evaluated: 2025-08-13. Review status: criteria provided, single submitter. Criteria: ACMG Guidelines, 2015. Collection method: clinical testing. Allele origin: germline.
Comment: This variant is classified as likely benign based on ACMG/AMP sequence variant interpretation guidelines (Richards et al. 2015 PMID: 25741868, with internal and published modifications).

Labcorp Genetics (formerly Invitae), Labcorp
Classification: Likely benign. Last evaluated: 2025-02-28. Review status: criteria provided, single submitter. Criteria: Invitae Variant Classification Sherloc (09022015). Collection method: clinical testing. Allele origin: germline.

Genome-Nilou Lab
Classification: Uncertain significance for Autosomal dominant nonsyndromic hearing loss 2A. Last evaluated: 2023-04-11. Review status: criteria provided, single submitter. Criteria: ACMG Guidelines, 2015. Collection method: clinical testing. Allele origin: germline. Affected: no.

Ambry Genetics
Classification: Uncertain significance for Inborn genetic diseases. Last evaluated: 2022-05-16. Review status: criteria provided, single submitter. Criteria: Ambry Variant Classification Scheme 2023. Collection method: clinical testing. Allele origin: germline.

GeneDx
Classification: Uncertain significance. Last evaluated: 2019-09-19. Review status: criteria provided, single submitter. Criteria: GeneDx Variant Classification Process June 2021. Collection method: clinical testing. Allele origin: germline. Affected: yes.
Comment: In silico analysis, which includes protein predictors and evolutionary conservation, supports that this variant does not alter protein structure/function; Has not been previously published as pathogenic or benign to our knowledge

Eurofins Ntd Llc (ga)
Classification: Uncertain significance. Last evaluated: 2017-07-28. Review status: criteria provided, single submitter. Criteria: EGL Classification Definitions 2015. Collection method: clinical testing. Allele origin: germline. Observed: 1 variant allele, 1 heterozygote.

NM_004700.4(KCNQ4):c.1259G>A (p.Arg420Gln)

Gene: KCNQ4 (potassium voltage-gated channel subfamily Q member 4; plus strand). Cytogenetic location: 1p34.2.
Variant type: single nucleotide variant.
Coding change: c.1259G>A on transcript NM_004700.4 (MANE Select); coding-DNA position 1259, G replaced by A.
Protein change: p.Arg420Gln; replaces arginine 420 with glutamine.
Molecular consequence: missense variant. On other transcripts: intron variant (1).
Genome position (GRCh38, 1-based): chr1:40,824,225, G>A. VCF-style: chr1-40824225-G-A. GRCh37 (hg19) VCF-style: chr1-41289897-G-A.
Other names: c.1130+1823G>A (NM_172163.3); short protein forms R420Q.
Identifiers: ClinVar variation 593390 (VCV000593390.13), dbSNP rs374078257, ClinGen allele CA794818.